The following is an entry in ClinVar:

ClinVar aggregate classification (germline): Uncertain significance (1 of 4 stars; one submission).

Conditions:
Cardiovascular phenotype. Identifiers: MedGen CN230736.

Submission:

Ambry Genetics
Classification: Uncertain significance for Cardiovascular phenotype. Last evaluated: 2025-05-22. Review status: criteria provided, single submitter. Criteria: Ambry Variant Classification Scheme 2023. Collection method: clinical testing. Allele origin: germline.
Comment: The p.D534G variant (also known as c.1601A>G), located in coding exon 11 of the DSC2 gene, results from an A to G substitution at nucleotide position 1601. The aspartic acid at codon 534 is replaced by glycine, an amino acid with similar properties. This amino acid position is highly conserved in available vertebrate species. In addition, this alteration is predicted to be deleterious by in silico analysis. Based on the available evidence, the clinical significance of this variant remains unclear.

NM_024422.6(DSC2):c.1601A>G (p.Asp534Gly)

Gene: DSC2 (desmocollin 2; minus strand). Cytogenetic location: 18q12.1.
Variant type: single nucleotide variant.
Coding change: c.1601A>G on transcript NM_024422.6 (MANE Select); coding-DNA position 1601, A replaced by G.
Protein change: p.Asp534Gly; replaces aspartic acid 534 with glycine.
Molecular consequence: missense variant.
Genome position (GRCh38, 1-based): chr18:31,079,909, T>C on the plus strand (A>G on the coding strand, the complement: DSC2 is on the minus strand). VCF-style: chr18-31079909-T-C. GRCh37 (hg19) VCF-style: chr18-28659875-T-C.
Other names: c.1172A>G, p.Asp391Gly (NM_001406506.1, NM_001406507.1); c.1601A>G, p.Asp534Gly (NM_004949.5); short protein forms D534G, D391G.
Identifiers: ClinVar variation 4014905 (VCV004014905.1).